The following is an entry in ClinVar:

NM_001191061.2(SLC25A22):c.394C>T (p.Gln132Ter)

Gene: SLC25A22 (solute carrier family 25 member 22; minus strand). Cytogenetic location: 11p15.5.
Variant type: single nucleotide variant.
Coding change: c.394C>T on transcript NM_001191061.2 (MANE Select); coding-DNA position 394, C replaced by T.
Protein change: p.Gln132Ter; replaces glutamine 132 with a stop codon.
Molecular consequence: nonsense.
Genome position (GRCh38, 1-based): chr11:792,888, G>A on the plus strand (C>T on the coding strand, the complement: SLC25A22 is on the minus strand). VCF-style: chr11-792888-G-A. GRCh37 (hg19) VCF-style: chr11-792888-G-A.
Other names: c.394C>T, p.Gln132Ter (NM_001191060.2, NM_024698.6); short protein forms Q132*.
Identifiers: ClinVar variation 436749 (VCV000436749.14), dbSNP rs1554965669, ClinGen allele CA378970598.
Genomic context (GRCh38, chr11:792,888, plus strand): 5'-TCCCGCACCTCTGCCCTCTCCTCCCCCTCCCCCCGCCCTCACCAATGCGCCCTGCATCCT[G>A]CAGCTGGATCTTCAGCATCTCCATGGGCGTGGTCACGATCACCTGGCAGGTGCCAGCCCC-3'

ClinVar aggregate classification (germline): Pathogenic/Likely pathogenic. Review status: criteria provided, multiple submitters, no conflicts (2 of 4 stars). 3 submissions from 3 submitters: Pathogenic (1); Likely pathogenic (1). 1 of the submissions does not count toward it. Last evaluated 2017-08-03.

Conditions:
Developmental and epileptic encephalopathy, 3 (DEE3). Also called: Epileptic encephalopathy, early infantile, 3. Identifiers: MedGen C5574665, MONDO:0012245, OMIM 609304.
Early Myoclonic Encephalopathy. Identifiers: MedGen C0270855.
Early-infantile DEE. Also called: Early infantile epileptic encephalopathy; Ohtahara syndrome; Early infantile epileptic encephalopathy with suppression bursts. Identifiers: Orphanet 1934, MedGen C0393706, MONDO:0800491.

Allele frequency attached by ClinVar (database versions not stated): gnomAD exomes 0.00001.
gnomAD v4.1: 3 of 1,608,282 alleles (0.00019%); highest among the groups gnomAD compares: South Asian, 0.0033%; no homozygotes.

Submissions (3):

Labcorp Genetics (formerly Invitae), Labcorp
Classification: Pathogenic for Early-infantile DEE. Last evaluated: 2017-08-03. Review status: criteria provided, single submitter. Criteria: Invitae Variant Classification Sherloc (09022015). Collection method: clinical testing. Allele origin: germline.
Comment: Loss-of-function variants in SLC25A22 are known to be pathogenic (PMID: 15592994, 19780765). This variant has been reported in the literature in an individual affected with Ohtahara syndrome (PMID: 27864847). This variant is not present in population databases (ExAC no frequency). This sequence change creates a premature translational stop signal (p.Gln132*) in the SLC25A22 gene. It is expected to result in an absent or disrupted protein product. For these reasons, this variant has been classified as Pathogenic.

Genetic Services Laboratory, University of Chicago
Classification: Likely pathogenic for Epileptic encephalopathy, early infantile, 3. Last evaluated: 2015-12-10. Review status: criteria provided, single submitter. Criteria: ACMG Guidelines, 2015. Collection method: clinical testing. Allele origin: germline. Affected: yes.

Hong-Tao Li Lab, Institute of Brain Science and Brain-inspired Research, Shandong First Medical University & Shandong Academy of Medical Sciences China
Classification: Pathogenic for Developmental and epileptic encephalopathy, 3. Review status: no assertion criteria provided. Collection method: research. Allele origin: germline. Inheritance: Autosomal recessive inheritance. Affected: yes. Observed: 1 variant allele, 1 homozygote. Not counted in ClinVar's aggregate classification.
Comment: Observed in affected individuals from a Pakistani neurodevelopmental-disorder research cohort of 263 individuals. Classification assigned using the ACMG/AMP framework. Population-frequency evidence: gnomAD AF 1.865e-06.

Literature cited by the submitters: PubMed 15592994 (cited by Labcorp Genetics (formerly Invitae), Labcorp); PubMed 19780765 (cited by Labcorp Genetics (formerly Invitae), Labcorp); PubMed 27864847 (cited by Labcorp Genetics (formerly Invitae), Labcorp).